The following is an entry in ClinVar:

NM_000138.5(FBN1):c.4943A>G (p.Asp1648Gly)

Gene: FBN1 (fibrillin 1; minus strand). Cytogenetic location: 15q21.1.
Variant type: single nucleotide variant.
Coding change: c.4943A>G on transcript NM_000138.5 (MANE Select); coding-DNA position 4943, A replaced by G.
Protein change: p.Asp1648Gly; replaces aspartic acid 1648 with glycine.
Molecular consequence: missense variant.
Genome position (GRCh38, 1-based): chr15:48,464,021, T>C on the plus strand (A>G on the coding strand, the complement: FBN1 is on the minus strand). VCF-style: chr15-48464021-T-C. GRCh37 (hg19) VCF-style: chr15-48756218-T-C.
Other names: c.4943A>G, p.Asp1648Gly (NM_001406716.1); short protein forms D1648G.
Identifiers: ClinVar variation 2939680 (VCV002939680.4), dbSNP rs2505493557, ClinGen allele CA392350585.
Genomic context (GRCh38, chr15:48,464,021, plus strand): 5'-CCAACGGTGTTGTAACATGTCCCTGGACCACAGATTCCAGGAGTCTCACATTCATTCACA[T>C]CTATAATCCAAAGAGAAAGTGGTATGTGAATATGAAAACTTCACATTTTGGAATGGCCTG-3'
Protein context (NP_000129.3, residues 1638-1658): YLNEDTRVCD[Asp1648Gly]VNECETPGIC

ClinVar aggregate classification (germline): Uncertain significance. Review status: criteria provided, multiple submitters, no conflicts (2 of 4 stars). 2 submissions from 2 submitters: Uncertain significance (2). Last evaluated 2024-07-16.

Conditions:
Marfan syndrome (MFS). Also called: MARFAN SYNDROME, TYPE I; Marfan syndrome type 1; Marfan's syndrome; Marfan syndrome, classic; FBN1-Related Marfan Syndrome. Identifiers: Orphanet 284963, Orphanet 558, MedGen C0024796, MONDO:0007947, OMIM 154700.
Familial thoracic aortic aneurysm and aortic dissection (TAAD). Also called: Thoracic aortic aneurysms and dissections. Identifiers: Orphanet 91387, MedGen C4707243, MONDO:0019625.

Submissions (2):

Ambry Genetics
Classification: Uncertain significance for Familial thoracic aortic aneurysm and aortic dissection. Last evaluated: 2024-07-16. Review status: criteria provided, single submitter. Criteria: Ambry Variant Classification Scheme 2023. Collection method: clinical testing. Allele origin: germline.
Comment: The p.D1648G variant (also known as c.4943A>G) is located in coding exon 40 of the FBN1 gene. The aspartic acid at codon 1648 is replaced by glycine, an amino acid with similar properties. This change occurs in the first base pair of coding exon 40. This variant alters a conserved residue in the calcium-binding consensus sequence of a cbEGF domain and is expected to disrupt FBN1 function (Handford PA et al. Nature. 1991; 351(6322):164-7.) This amino acid position is highly conserved in available vertebrate species. In addition, this alteration is predicted to be deleterious by in silico analysis. Based on the available evidence, the clinical significance of this variant remains unclear.

Labcorp Genetics (formerly Invitae), Labcorp
Classification: Uncertain significance for Marfan syndrome; Familial thoracic aortic aneurysm and aortic dissection. Last evaluated: 2024-01-27. Review status: criteria provided, single submitter. Criteria: Invitae Variant Classification Sherloc (09022015). Collection method: clinical testing. Allele origin: germline.
Comment: This sequence change replaces aspartic acid, which is acidic and polar, with glycine, which is neutral and non-polar, at codon 1648 of the FBN1 protein (p.Asp1648Gly). This variant is not present in population databases (gnomAD no frequency). This variant has not been reported in the literature in individuals affected with FBN1-related conditions. An algorithm developed to predict the effect of missense changes on protein structure and function (PolyPhen-2) suggests that this variant is likely to be disruptive. In summary, the available evidence is currently insufficient to determine the role of this variant in disease. Therefore, it has been classified as a Variant of Uncertain Significance.